The following is an entry in ClinVar:

NM_001845.6(COL4A1):c.467A>T (p.Lys156Met)

Gene: COL4A1 (collagen type IV alpha 1 chain; minus strand). Cytogenetic location: 13q34.
Variant type: single nucleotide variant.
Coding change: c.467A>T on transcript NM_001845.6 (MANE Select); coding-DNA position 467, A replaced by T.
Protein change: p.Lys156Met; replaces lysine 156 with methionine.
Molecular consequence: missense variant.
Genome position (GRCh38, 1-based): chr13:110,211,648, T>A on the plus strand (A>T on the coding strand, the complement: COL4A1 is on the minus strand). VCF-style: chr13-110211648-T-A. GRCh37 (hg19) VCF-style: chr13-110863995-T-A.
Other names: c.467A>T, p.Lys156Met (NM_001303110.2); short protein forms K156M.
Identifiers: ClinVar variation 3649031 (VCV003649031.2).

ClinVar aggregate classification (germline): Uncertain significance (1 of 4 stars; one submission).

Submission:

Labcorp Genetics (formerly Invitae), Labcorp
Classification: Uncertain significance. Last evaluated: 2024-04-06. Review status: criteria provided, single submitter. Criteria: Invitae Variant Classification Sherloc (09022015). Collection method: clinical testing. Allele origin: germline.
Comment: This sequence change replaces lysine, which is basic and polar, with methionine, which is neutral and non-polar, at codon 156 of the COL4A1 protein (p.Lys156Met). This variant is not present in population databases (gnomAD no frequency). This variant has not been reported in the literature in individuals affected with COL4A1-related conditions. Experimental studies and prediction algorithms are not available or were not evaluated, and the functional significance of this variant is currently unknown. Algorithms developed to predict the effect of sequence changes on RNA splicing suggest that this variant may disrupt the consensus splice site. In summary, the available evidence is currently insufficient to determine the role of this variant in disease. Therefore, it has been classified as a Variant of Uncertain Significance.